The following is an entry in ClinVar:

NM_014425.5(INVS):c.1717A>T (p.Lys573Ter)

Gene: INVS (inversin; plus strand). Cytogenetic location: 9q31.1.
Variant type: single nucleotide variant.
Coding change: c.1717A>T on transcript NM_014425.5 (MANE Select); coding-DNA position 1717, A replaced by T.
Protein change: p.Lys573Ter; replaces lysine 573 with a stop codon.
Molecular consequence: nonsense. On other transcripts: non-coding transcript variant (1).
Genome position (GRCh38, 1-based): chr9:100,273,009, A>T. VCF-style: chr9-100273009-A-T. GRCh37 (hg19) VCF-style: chr9-103035291-A-T.
Other names: c.1429A>T, p.Lys477Ter (NM_001318381.2); c.739A>T, p.Lys247Ter (NM_001318382.2); short protein forms K247*, K477*, K573*.
Identifiers: ClinVar variation 2123868 (VCV002123868.4), dbSNP rs2490055960, ClinGen allele CA374238621.

ClinVar aggregate classification (germline): Pathogenic (1 of 4 stars; one submission).

Conditions:
Nephronophthisis. Also called: Juvenile Nephronophthisis. Identifiers: Orphanet 655, MedGen C0687120, MONDO:0019005, HP:0000090.

Submission:

Labcorp Genetics (formerly Invitae), Labcorp
Classification: Pathogenic for Nephronophthisis. Last evaluated: 2022-12-18. Review status: criteria provided, single submitter. Criteria: Invitae Variant Classification Sherloc (09022015). Collection method: clinical testing. Allele origin: germline.
Comment: This sequence change creates a premature translational stop signal (p.Lys573*) in the INVS gene. It is expected to result in an absent or disrupted protein product. Loss-of-function variants in INVS are known to be pathogenic (PMID: 12872123). This variant is not present in population databases (gnomAD no frequency). For these reasons, this variant has been classified as Pathogenic. This variant has not been reported in the literature in individuals affected with INVS-related conditions.

Literature cited by the submitters: PubMed 12872123.